The following is an entry in ClinVar:

ClinVar aggregate classification (germline): Uncertain significance. Review status: criteria provided, multiple submitters, no conflicts (2 of 4 stars). 2 submissions from 2 submitters: Uncertain significance (2). Last evaluated 2025-01-23.

Conditions:
Baller-Gerold syndrome (BGS). Also called: CRANIOSYNOSTOSIS WITH RADIAL DEFECTS. Identifiers: Orphanet 1225, MedGen C0265308, MONDO:0009039, OMIM 218600.

Allele frequency attached by ClinVar (database versions not stated): gnomAD 0.00001 and 0.00002; TOPMed 0.00002; gnomAD exomes 0.00004 and 0.00007; ESP Exome Variant Server 0.00008; ExAC 0.00010.
gnomAD v4.1: 71 of 1,569,946 alleles (0.0045%); highest among the groups gnomAD compares: South Asian, 0.013%; no homozygotes.

Submissions (2):

Labcorp Genetics (formerly Invitae), Labcorp
Classification: Uncertain significance for Baller-Gerold syndrome. Last evaluated: 2025-01-23. Review status: criteria provided, single submitter. Criteria: Invitae Variant Classification Sherloc (09022015). Collection method: clinical testing. Allele origin: germline.
Comment: This sequence change replaces valine, which is neutral and non-polar, with methionine, which is neutral and non-polar, at codon 868 of the RECQL4 protein (p.Val868Met). This variant is present in population databases (rs369250614, gnomAD 0.02%). This variant has not been reported in the literature in individuals affected with RECQL4-related conditions. ClinVar contains an entry for this variant (Variation ID: 407005). An algorithm developed to predict the effect of missense changes on protein structure and function outputs the following: PolyPhen-2: "Not Available". The methionine amino acid residue is found in multiple mammalian species, which suggests that this missense change does not adversely affect protein function. In summary, the available evidence is currently insufficient to determine the role of this variant in disease. Therefore, it has been classified as a Variant of Uncertain Significance.

GeneDx
Classification: Uncertain significance. Last evaluated: 2024-06-11. Review status: criteria provided, single submitter. Criteria: GeneDx Variant Classification Process June 2021. Collection method: clinical testing. Allele origin: germline. Affected: yes.
Comment: Has not been previously published as pathogenic or benign to our knowledge; In silico analysis does not support a benign or deleterious effect of this variant on protein structure/function

NM_004260.4(RECQL4):c.2602G>A (p.Val868Met)

Gene: RECQL4 (RecQ like helicase 4; minus strand). Cytogenetic location: 8q24.3.
Variant type: single nucleotide variant.
Coding change: c.2602G>A on transcript NM_004260.4 (MANE Select); coding-DNA position 2602, G replaced by A.
Protein change: p.Val868Met; replaces valine 868 with methionine.
Molecular consequence: missense variant.
Genome position (GRCh38, 1-based): chr8:144,513,000, C>T on the plus strand (G>A on the coding strand, the complement: RECQL4 is on the minus strand). VCF-style: chr8-144513000-C-T. GRCh37 (hg19) VCF-style: chr8-145738383-C-T.
Other names: short protein forms V868M.
Identifiers: ClinVar variation 407005 (VCV000407005.7), dbSNP rs369250614, ClinGen allele CA4948172.